The following is an entry in ClinVar:

NM_025114.4(CEP290):c.1860_1863del (p.Arg621fs)

Gene: CEP290 (centrosomal protein 290; minus strand). Cytogenetic location: 12q21.32.
Variant type: Microsatellite.
Coding change: c.1860_1863del on transcript NM_025114.4 (MANE Select); coding-DNA positions 1860 to 1863, 4 bases deleted (AAGA; older notation c.1860_1863delAAGA).
Protein change: p.Arg621fs; shifts the reading frame from arginine 621.
Molecular consequence: frameshift variant.
Genome position (GRCh38, 1-based): chr12:88,115,144-88,115,147, TCTT deleted on the plus strand (AAGA on the coding strand, the reverse complement: CEP290 is on the minus strand); deleting any 4 consecutive bases within chr12:88,115,144-88,115,152 gives the same sequence; the c. name uses the placement nearest the transcript's 3' end. VCF-style (leftmost placement, unchanged base first): chr12-88115143-CTCTT-C. GRCh37 (hg19) VCF-style: chr12-88508920-CTCTT-C.
Other names: c.1860_1863delAAGA (NM_025114.3); short protein forms R621fs.
Identifiers: ClinVar variation 194988 (VCV000194988.21), dbSNP rs766608755, ClinGen allele CA346860.

ClinVar aggregate classification (germline): Pathogenic. Review status: criteria provided, multiple submitters, no conflicts (2 of 4 stars). 7 submissions from 7 submitters: Pathogenic (7). Last evaluated 2025-12-22.

Conditions:
CEP290-related disorder. Also called: CEP290-related condition; CEP290-related disorders. Identifiers: MedGen CN239314.
Joubert syndrome. Also called: Familial aplasia of the vermis; JOUBERT-BOLTSHAUSER SYNDROME. Identifiers: Orphanet 475, MedGen C5979921, MONDO:0018772.
Meckel-Gruber syndrome. Also called: GRUBER SYNDROME; Dysencephalia splachnocystica; DYSENCEPHALIA SPLANCHNOCYSTICA. Identifiers: Orphanet 564, MedGen C0265215, MONDO:0018921.
Nephronophthisis. Also called: Juvenile Nephronophthisis. Identifiers: Orphanet 655, MedGen C0687120, MONDO:0019005, HP:0000090.
Leber congenital amaurosis (LCA). Also called: Leber's amaurosis. Identifiers: Orphanet 65, MedGen C0339527, MeSH D057130, MONDO:0018998.
Leber congenital amaurosis 10 (LCA10). Identifiers: Orphanet 65, MedGen C1857821, MONDO:0012723, OMIM 611755.
Bardet-Biedl syndrome 14 (BBS14). Identifiers: Orphanet 110, MedGen C2673874, MONDO:0014442, OMIM 615991.

Submissions (7):

PreventionGenetics, part of Exact Sciences
Classification: Pathogenic for CEP290-related condition. Last evaluated: 2025-12-22. Review status: criteria provided, single submitter. Criteria: ACMG Guidelines, 2015. Collection method: clinical testing. Allele origin: germline.
Comment: The CEP290 c.1860_1863delAAGA variant is predicted to result in a frameshift and premature protein termination (p.Arg621Ilefs*2). This variant has been reported to be pathogenic in individuals with a skeletal dysplasia or retinal anomaly phenotype (reported as c.1855_1858delAAAG in Perrault et al. 2007. PubMed ID: 17345604; Table S1, Maddirevula et al 2018. PubMed ID: 29620724). Frameshift variants in CEP290 are expected to be pathogenic. This variant is interpreted as pathogenic.

Natera, Inc.
Classification: Pathogenic for Leber congenital amaurosis. Last evaluated: 2025-09-04. Review status: criteria provided, single submitter. Criteria: Natera Variant Classification Schema (03/2026). Collection method: clinical testing. Allele origin: germline.
Comment: The c.1860_1863delAAGA variant in CEP290 is a frameshift variant predicted to shift the reading frame beginning at codon 621 and leads to a stop codon 2 codons downstream. This variant is expected to result in nonsense mediated decay, truncation, or a dysfunctional protein product. This variant is rare in the general population with a frequency below the threshold expected for the associated phenotype(s). This variant has been observed in one or more individuals affected with the associated recessive disease, as either homozygous or compound heterozygous with a second variant (PMID: 20683928). Given the available evidence, this variant is classified as Pathogenic.

Dubai Health Genomic Medicine Center, Dubai Health
Classification: Pathogenic for Leber congenital amaurosis 10. Last evaluated: 2024-10-04. Review status: criteria provided, single submitter. Criteria: ACMG Guidelines, 2015. Collection method: research. Allele origin: germline. Affected: yes.
Comment: PVS1,PM2,PM3

Labcorp Genetics (formerly Invitae), Labcorp
Classification: Pathogenic for Joubert syndrome; Meckel-Gruber syndrome; Nephronophthisis. Last evaluated: 2024-05-15. Review status: criteria provided, single submitter. Criteria: Invitae Variant Classification Sherloc (09022015). Collection method: clinical testing. Allele origin: germline.
Comment: This sequence change creates a premature translational stop signal (p.Arg621Ilefs*2) in the CEP290 gene. It is expected to result in an absent or disrupted protein product. Loss-of-function variants in CEP290 are known to be pathogenic (PMID: 16909394, 17345604, 20690115). This variant is present in population databases (rs766608755, gnomAD 0.004%). This premature translational stop signal has been observed in individuals with CEP290-related conditions (PMID: 17345604, 27894351). This variant is also known as c.1855-1858delAAAG. ClinVar contains an entry for this variant (Variation ID: 194988). For these reasons, this variant has been classified as Pathogenic.

Baylor Genetics
Classification: Pathogenic for Bardet-Biedl syndrome 14. Last evaluated: 2024-03-01. Review status: criteria provided, single submitter. Criteria: ACMG Guidelines, 2015. Collection method: clinical testing. Allele origin: unknown.

Blueprint Genetics
Classification: Pathogenic for CEP290-related disorders. Last evaluated: 2024-02-28. Review status: criteria provided, single submitter. Criteria: ACMG Guidelines, 2015. Collection method: clinical testing. Allele origin: germline. Affected: yes. Observed: 1 variant allele.

Eurofins Ntd Llc (ga)
Classification: Pathogenic. Last evaluated: 2014-08-28. Review status: criteria provided, single submitter. Criteria: EGL Classification Definitions 2015. Collection method: clinical testing. Allele origin: germline. Observed: 1 variant allele, 1 heterozygote.

Literature cited by the submitters: PubMed 20683928 (cited by Natera, Inc.); PubMed 16909394 (cited by Labcorp Genetics (formerly Invitae), Labcorp); PubMed 17345604 (cited by Labcorp Genetics (formerly Invitae), Labcorp and Eurofins Ntd Llc (ga)); PubMed 20690115 (cited by Labcorp Genetics (formerly Invitae), Labcorp); PubMed 27894351 (cited by Labcorp Genetics (formerly Invitae), Labcorp).